The following is an entry in ClinVar:

NM_000642.3(AGL):c.3184G>T (p.Ala1062Ser)

Gene: AGL (amylo-alpha-1,6-glucosidase and 4-alpha-glucanotransferase; plus strand). Cytogenetic location: 1p21.2.
Variant type: single nucleotide variant.
Coding change: c.3184G>T on transcript NM_000642.3 (MANE Select); coding-DNA position 3184, G replaced by T.
Protein change: p.Ala1062Ser; replaces alanine 1062 with serine.
Molecular consequence: missense variant.
Genome position (GRCh38, 1-based): chr1:99,892,532, G>T. VCF-style: chr1-99892532-G-T. GRCh37 (hg19) VCF-style: chr1-100358088-G-T.
Other names: c.3184G>T, p.Ala1062Ser (NM_000028.3, NM_000643.3, NM_000644.3 and 1 more transcripts); c.3136G>T, p.Ala1046Ser (NM_000646.3); c.3163G>T, p.Ala1055Ser (NM_001425326.1); c.2983G>T, p.Ala995Ser (NM_001425327.1); c.2980G>T, p.Ala994Ser (NM_001425328.1); c.2845G>T, p.Ala949Ser (NM_001425329.1); c.2806G>T, p.Ala936Ser (NM_001425332.1); short protein forms A1062S, A1046S, A1055S, A936S, A949S, A994S, A995S.
Identifiers: ClinVar variation 855295 (VCV000855295.7), dbSNP rs1475224037, ClinGen allele CA341326926.

ClinVar aggregate classification (germline): Conflicting classifications of pathogenicity. Review status: criteria provided, conflicting classifications (1 of 4 stars). 2 submissions from 2 submitters: Uncertain significance (1); Likely benign (1). Last evaluated 2025-05-14.

Conditions:
Glycogen storage disease type III (GSD3). Also called: Cori disease; FORBES DISEASE. Identifiers: Orphanet 366, MedGen C0017922, MONDO:0009291, OMIM 232400.
Inborn genetic diseases. Identifiers: MedGen C0950123, MeSH D030342.

Allele frequency attached by ClinVar (database versions not stated): gnomAD exomes below 0.00001.
gnomAD v4.1: 1 of 1,613,580 alleles (0.000062%); highest among the groups gnomAD compares: Admixed American, 0.0017%; no homozygotes.

Submissions (2):

Ambry Genetics
Classification: Likely benign for Inborn genetic diseases. Last evaluated: 2025-05-14. Review status: criteria provided, single submitter. Criteria: Ambry Variant Classification Scheme 2023. Collection method: clinical testing. Allele origin: germline.

Labcorp Genetics (formerly Invitae), Labcorp
Classification: Uncertain significance for Glycogen storage disease type III. Last evaluated: 2021-08-24. Review status: criteria provided, single submitter. Criteria: Invitae Variant Classification Sherloc (09022015). Collection method: clinical testing. Allele origin: germline.
Comment: This sequence change replaces alanine with serine at codon 1062 of the AGL protein (p.Ala1062Ser). The alanine residue is weakly conserved and there is a moderate physicochemical difference between alanine and serine. This variant is not present in population databases (ExAC no frequency). This variant has not been reported in the literature in individuals affected with AGL-related conditions. Algorithms developed to predict the effect of missense changes on protein structure and function output the following: SIFT: "Tolerated"; PolyPhen-2: "Benign"; Align-GVGD: "Class C0". The serine amino acid residue is found in multiple mammalian species, which suggests that this missense change does not adversely affect protein function. In summary, the available evidence is currently insufficient to determine the role of this variant in disease. Therefore, it has been classified as a Variant of Uncertain Significance.